The following is an entry in ClinVar:

NM_012308.3(KDM2A):c.1296C>A (p.Gly432=)

Gene: KDM2A (lysine demethylase 2A; plus strand). Cytogenetic location: 11q13.2.
Variant type: single nucleotide variant.
Coding change: c.1296C>A on transcript NM_012308.3 (MANE Select); coding-DNA position 1296, C replaced by A.
Protein change: p.Gly432=; no amino-acid change (glycine 432 retained).
Molecular consequence: synonymous variant. On other transcripts: non-coding transcript variant (1).
Genome position (GRCh38, 1-based): chr11:67,231,777, C>A. VCF-style: chr11-67231777-C-A. GRCh37 (hg19) VCF-style: chr11-66999248-C-A.
Identifiers: ClinVar variation 2642010 (VCV002642010.24), dbSNP rs1305987006, ClinGen allele CA475517238.
Genomic context (GRCh38, chr11:67,231,777, plus strand): 5'-AAGTCTTCCAAGTCTGAAGAAAACTTTGGCTGGGGACTCATCTTCTGACTGTAGCCGGGG[C>A]TCCCACAATGGACAAGTGTGGGATCCCCAGTGTGCTCCCCGAAAGGACAGGCAAGTGCAT-3'
Protein context (NP_036440.1, residues 422-442): AGDSSSDCSR[Gly432=]SHNGQVWDPQ

ClinVar aggregate classification (germline): Likely benign (1 of 4 stars; one submission).

Submission:

CeGaT Center for Human Genetics Tuebingen
Classification: Likely benign. Last evaluated: 2024-03-01. Review status: criteria provided, single submitter. Criteria: CeGaT Center For Human Genetics Tuebingen Variant Classification Criteria Version 2. Collection method: clinical testing. Allele origin: germline. Affected: yes. Observed: 2 variant alleles.
Comment: KDM2A: PM2:Supporting, BP4, BP7